The following is an entry in ClinVar:

NM_014244.5(ADAMTS2):c.2617+19del

Gene: ADAMTS2 (ADAM metallopeptidase with thrombospondin type 1 motif 2; minus strand). Cytogenetic location: 5q35.3.
Variant type: Deletion.
Coding change: c.2617+19del on transcript NM_014244.5 (MANE Select); 19 bases into the intron after coding-DNA position 2617, one base deleted (T; older notation c.2617+19delT).
Molecular consequence: intron variant.
Genome position (GRCh38, 1-based): chr5:179,127,940, A deleted on the plus strand (T on the coding strand, the reverse complement: ADAMTS2 is on the minus strand). VCF-style (leftmost placement, unchanged base first): chr5-179127939-CA-C. GRCh37 (hg19) VCF-style: chr5-178554940-CA-C.
Identifiers: ClinVar variation 512758 (VCV000512758.10), dbSNP rs753157368, ClinGen allele CA3595500.

ClinVar aggregate classification (germline): Likely benign. Review status: criteria provided, multiple submitters, no conflicts (2 of 4 stars). 3 submissions from 3 submitters: Likely benign (3). Last evaluated 2026-01-12.

Conditions:
Ehlers-Danlos syndrome, dermatosparaxis type. Also called: Ehlers-Danlos syndrome, type VII, autosomal recessive; EDS VIIC; Dermatosparaxis. Identifiers: Orphanet 1901, MedGen C2700425, MONDO:0009161, OMIM 225410.

Allele frequency attached by ClinVar (database versions not stated): ExAC 0.00013; gnomAD 0.00013 and 0.00015; ESP Exome Variant Server 0.00016; TOPMed 0.00016; gnomAD exomes 0.00018 and 0.00027.

Submissions (3):

Labcorp Genetics (formerly Invitae), Labcorp
Classification: Likely benign for Ehlers-Danlos syndrome, dermatosparaxis type. Last evaluated: 2026-01-12. Review status: criteria provided, single submitter. Criteria: Invitae Variant Classification Sherloc (09022015). Collection method: clinical testing. Allele origin: germline.

Blueprint Genetics
Classification: Likely benign. Last evaluated: 2024-08-06. Review status: criteria provided, single submitter. Criteria: ACMG Guidelines, 2015. Collection method: clinical testing. Allele origin: germline.

GeneDx
Classification: Likely benign. Last evaluated: 2017-10-20. Review status: criteria provided, single submitter. Criteria: GeneDx Variant Classification (06012015). Collection method: clinical testing. Allele origin: germline. Affected: yes.
Comment: This variant is considered likely benign or benign based on one or more of the following criteria: it is a conservative change, it occurs at a poorly conserved position in the protein, it is predicted to be benign by multiple in silico algorithms, and/or has population frequency not consistent with disease.